The following is an entry in ClinVar:

ClinVar aggregate classification (germline): Uncertain significance (1 of 4 stars; one submission).

Conditions:
Amyotrophic lateral sclerosis type 21. Also called: VOCAL CORD AND PHARYNGEAL DYSFUNCTION WITH DISTAL MYOPATHY; MYOPATHY, DISTAL, 2. Identifiers: Orphanet 600, Orphanet 803, MedGen C3807521, MONDO:0011632, OMIM 606070.

gnomAD v4.1: 1 of 1,613,708 alleles (0.000062%); no homozygotes.

Submission:

Labcorp Genetics (formerly Invitae), Labcorp
Classification: Uncertain significance for Amyotrophic lateral sclerosis type 21. Last evaluated: 2025-11-01. Review status: criteria provided, single submitter. Criteria: Invitae Variant Classification Sherloc (09022015). Collection method: clinical testing. Allele origin: germline.
Comment: This sequence change replaces glutamine, which is neutral and polar, with histidine, which is basic and polar, at codon 320 of the MATR3 protein (p.Gln320His). This variant is present in population databases (no rsID available, gnomAD 0.006%). This variant has not been reported in the literature in individuals affected with MATR3-related conditions. Invitae Evidence Modeling of protein sequence and biophysical properties (such as structural, functional, and spatial information, amino acid conservation, physicochemical variation, residue mobility, and thermodynamic stability) has been performed for this missense variant. However, the output from this modeling did not meet the statistical confidence thresholds required to predict the impact of this variant on MATR3 protein function. In summary, the available evidence is currently insufficient to determine the role of this variant in disease. Therefore, it has been classified as a Variant of Uncertain Significance.

NM_018834.6(MATR3):c.960G>C (p.Gln320His)

Gene: MATR3 (matrin 3; plus strand). Cytogenetic location: 5q31.2.
Variant type: single nucleotide variant.
Coding change: c.960G>C on transcript NM_018834.6 (MANE Select); coding-DNA position 960, G replaced by C.
Protein change: p.Gln320His; replaces glutamine 320 with histidine.
Molecular consequence: missense variant. On other transcripts: 5 prime UTR variant (6), intron variant (2).
Genome position (GRCh38, 1-based): chr5:139,314,722, G>C. VCF-style: chr5-139314722-G-C. GRCh37 (hg19) VCF-style: chr5-138650411-G-C.
Other names: c.960G>C, p.Gln320His (NM_001194954.2, NM_001194955.2, NM_001400441.1 and 16 more transcripts); c.96G>C, p.Gln32His (NM_001194956.2); c.-55G>C (NM_001282278.2, NM_001400460.1, NM_001400463.1 and 3 more transcripts); c.99G>C, p.Gln33His (NM_001400459.1); c.60G>C, p.Gln20His (NM_001400461.1); c.-40-975G>C (NM_001400462.1, NM_001400467.1); short protein forms Q20H, Q320H, Q32H, Q33H.
Identifiers: ClinVar variation 4797745 (VCV004797745.1).